The following is an entry in ClinVar:

ClinVar aggregate classification (germline): Pathogenic (1 of 4 stars; one submission).

Submission:

GeneDx
Classification: Pathogenic. Last evaluated: 2013-10-23. Review status: criteria provided, single submitter. Criteria: GeneDx Variant Classification (06012015). Collection method: clinical testing. Allele origin: germline. Affected: yes.
Comment: p.Arg1315Lys (AGA>AAA): c.3944 G>A in exon 21 of the SCN2A gene (NM_021007.2). The Arg1315Lys missense change has not been published as a mutation, nor has it been reported as a benign polymorphism to our knowledge. It was not observed in approximately 6,500 individuals of European and African American ancestry in the NHLBI Exome Sequencing Project, indicating it is not a common benign variant in these populations. This variant is a conservative substitution of one positively charged amino acid for another. However, it alters a highly conserved position in the S4 segment of the third transmembrane domain and other missense mutations associated with epilepsy have been reported in this region of the protein. Additionally, in silico analysis predicts this variant is probably damaging to the protein structure/function. This variant has been observed de novo without verified parentage. The variant is found in INFANT-EPI panel(s).

NM_001040142.2(SCN2A):c.3944G>A (p.Arg1315Lys)

Gene: SCN2A (sodium voltage-gated channel alpha subunit 2; plus strand). Cytogenetic location: 2q24.3.
Variant type: single nucleotide variant.
Coding change: c.3944G>A on transcript NM_001040142.2 (MANE Select); coding-DNA position 3944, G replaced by A.
Protein change: p.Arg1315Lys; replaces arginine 1315 with lysine.
Molecular consequence: missense variant.
Genome position (GRCh38, 1-based): chr2:165,373,319, G>A. VCF-style: chr2-165373319-G-A. GRCh37 (hg19) VCF-style: chr2-166229829-G-A.
Other names: p.R1315K:AGA>AAA; c.3944G>A, p.Arg1315Lys (NM_001040143.2, NM_001371246.1, NM_001371247.1 and 1 more transcripts); short protein forms R1315K.
Identifiers: ClinVar variation 206990 (VCV000206990.2), dbSNP rs796053129, ClinGen allele CA317936.